The following is an entry in ClinVar:

ClinVar aggregate classification (germline): Uncertain significance (1 of 4 stars; one submission).

Conditions:
Spastic paraplegia. Identifiers: MedGen C0037772, HP:0001258.

Submission:

Labcorp Genetics (formerly Invitae), Labcorp
Classification: Uncertain significance for Spastic paraplegia. Last evaluated: 2022-10-12. Review status: criteria provided, single submitter. Criteria: Invitae Variant Classification Sherloc (09022015). Collection method: clinical testing. Allele origin: germline.
Comment: In summary, the available evidence is currently insufficient to determine the role of this variant in disease. Therefore, it has been classified as a Variant of Uncertain Significance. Advanced modeling of protein sequence and biophysical properties (such as structural, functional, and spatial information, amino acid conservation, physicochemical variation, residue mobility, and thermodynamic stability) performed at Invitae indicates that this missense variant is not expected to disrupt KIF5A protein function. This variant has not been reported in the literature in individuals affected with KIF5A-related conditions. This variant is not present in population databases (gnomAD no frequency). This sequence change replaces alanine, which is neutral and non-polar, with threonine, which is neutral and polar, at codon 391 of the KIF5A protein (p.Ala391Thr).

NM_004984.4(KIF5A):c.1171G>A (p.Ala391Thr)

Gene: KIF5A (kinesin family member 5A; plus strand). Cytogenetic location: 12q13.3.
Variant type: single nucleotide variant.
Coding change: c.1171G>A on transcript NM_004984.4 (MANE Select); coding-DNA position 1171, G replaced by A.
Protein change: p.Ala391Thr; replaces alanine 391 with threonine.
Molecular consequence: missense variant.
Genome position (GRCh38, 1-based): chr12:57,570,040, G>A. VCF-style: chr12-57570040-G-A. GRCh37 (hg19) VCF-style: chr12-57963823-G-A.
Other names: c.904G>A, p.Ala302Thr (NM_001354705.2); short protein forms A302T, A391T.
Identifiers: ClinVar variation 1990085 (VCV001990085.4), dbSNP rs2540501469, ClinGen allele CA385503801.
Genomic context (GRCh38, chr12:57,570,040, plus strand): 5'-TTTGCAGGAGAGAATGTGCCTGAGACAGAGCGCCTGGCTGGGGAGGAGGCAGCCCTGGGA[G>A]CCGAGCTCTGTGAGGAGACCCCTGTGAATGACAACTCATCCATCGTGGTGCGCATCGCGC-3'
Protein context (NP_004975.2, residues 381-401): RLAGEEAALG[Ala391Thr]ELCEETPVND